The following is an entry in ClinVar:

NM_000051.4(ATM):c.3284+7G>C

Gene: ATM (ATM serine/threonine kinase; plus strand). Cytogenetic location: 11q22.3.
Variant type: single nucleotide variant.
Coding change: c.3284+7G>C on transcript NM_000051.4 (MANE Select); 7 bases into the intron after coding-DNA position 3284, G replaced by C.
Molecular consequence: intron variant.
Genome position (GRCh38, 1-based): chr11:108,272,859, G>C. VCF-style: chr11-108272859-G-C. GRCh37 (hg19) VCF-style: chr11-108143586-G-C.
Other names: c.3284+7G>C (NM_001351834.2).
Identifiers: ClinVar variation 386152 (VCV000386152.17), dbSNP rs371629629, ClinGen allele CA6265241.
Genomic context (GRCh38, chr11:108,272,859, plus strand): 5'-TCTTGCTGACAATCATCACCAAGTTCGCATGTTGGCTGCAGAGTCAATCAATAGGTAATG[G>C]GTCAAATATTCATGAAGTATTTGGAATGCTGCAGATGGCAGTAGAATGTCTTACATAGTA-3'

ClinVar aggregate classification (germline): Likely benign. Review status: criteria provided, multiple submitters, no conflicts (2 of 4 stars). 4 submissions from 4 submitters: Likely benign (4). Last evaluated 2025-04-16.

Conditions:
Familial cancer of breast. Also called: BREAST CANCER, FAMILIAL; hereditary breast carcinoma; Hereditary breast cancer. Identifiers: Orphanet 227535, MedGen C0346153, MONDO:0016419, OMIM 114480. Disease mechanism: loss of function.
Ataxia-telangiectasia syndrome (AT). Also called: AT, COMPLEMENTATION GROUP C; ATAXIA-TELANGIECTASIA, COMPLEMENTATION GROUP A; ATAXIA-TELANGIECTASIA, FRESNO VARIANT; LOUIS-BAR SYNDROME; Ataxia-telangiectasia; Cerebello-oculocutaneous telangiectasia. Identifiers: Orphanet 100, MedGen C0004135, MONDO:0008840, OMIM 208900.

Allele frequency attached by ClinVar (database versions not stated): gnomAD 0.00001; gnomAD exomes 0.00001; ExAC 0.00002; ESP Exome Variant Server 0.00008.
gnomAD v4.1: 3 of 1,613,772 alleles (0.00019%); highest among the groups gnomAD compares: African/African-American, 0.004%; no homozygotes.

Submissions (4):

Women's Health and Genetics/Laboratory Corporation of America, LabCorp
Classification: Likely benign. Last evaluated: 2025-04-16. Review status: criteria provided, single submitter. Criteria: LabCorp Variant Classification Summary - May 2015. Collection method: clinical testing. Allele origin: germline.

Labcorp Genetics (formerly Invitae), Labcorp
Classification: Likely benign for Ataxia-telangiectasia syndrome. Last evaluated: 2024-10-24. Review status: criteria provided, single submitter. Criteria: Invitae Variant Classification Sherloc (09022015). Collection method: clinical testing. Allele origin: germline.

Myriad Genetics, Inc.
Classification: Likely benign for Familial cancer of breast. Last evaluated: 2024-05-14. Review status: criteria provided, single submitter. Criteria: Myriad Autosomal Dominant, Autosomal Recessive and X-Linked Classification Criteria (2023). Collection method: clinical testing. Allele origin: unknown.
Comment: This variant is considered likely benign. This variant is intronic and is not expected to impact mRNA splicing.

GeneDx
Classification: Likely benign. Last evaluated: 2016-05-13. Review status: criteria provided, single submitter. Criteria: GeneDx Variant Classification (06012015). Collection method: clinical testing. Allele origin: germline. Affected: yes.
Comment: This variant is considered likely benign or benign based on one or more of the following criteria: it is a conservative change, it occurs at a poorly conserved position in the protein, it is predicted to be benign by multiple in silico algorithms, and/or has population frequency not consistent with disease.